The following is an entry in ClinVar:

NM_004260.4(RECQL4):c.538A>G (p.Ser180Gly)

Gene: RECQL4 (RecQ like helicase 4; minus strand). Cytogenetic location: 8q24.3.
Variant type: single nucleotide variant.
Coding change: c.538A>G on transcript NM_004260.4 (MANE Select); coding-DNA position 538, A replaced by G.
Protein change: p.Ser180Gly; replaces serine 180 with glycine.
Molecular consequence: missense variant.
Genome position (GRCh38, 1-based): chr8:144,516,581, T>C on the plus strand (A>G on the coding strand, the complement: RECQL4 is on the minus strand). VCF-style: chr8-144516581-T-C. GRCh37 (hg19) VCF-style: chr8-145741965-T-C.
Other names: c.538A>G, p.Ser180Gly (NM_001413017.1, NM_001413018.1, NM_001413019.1 and 4 more transcripts); c.-534A>G (NM_001413022.1, NM_001413023.1, NM_001413024.1 and 5 more transcripts); c.409A>G, p.Ser137Gly (NM_001413025.1); c.-596A>G (NM_001413027.1, NM_001413030.1, NM_001413031.1 and 2 more transcripts); c.-438A>G (NM_001413034.1); c.-803A>G (NM_001413043.1); short protein forms S180G, S137G.
Identifiers: ClinVar variation 2056366 (VCV002056366.4), dbSNP rs2130726993, ClinGen allele CA372691106.

ClinVar aggregate classification (germline): Uncertain significance (1 of 4 stars; one submission).

Conditions:
Baller-Gerold syndrome (BGS). Also called: CRANIOSYNOSTOSIS WITH RADIAL DEFECTS. Identifiers: Orphanet 1225, MedGen C0265308, MONDO:0009039, OMIM 218600.

Submission:

Labcorp Genetics (formerly Invitae), Labcorp
Classification: Uncertain significance for Baller-Gerold syndrome. Last evaluated: 2022-08-23. Review status: criteria provided, single submitter. Criteria: Invitae Variant Classification Sherloc (09022015). Collection method: clinical testing. Allele origin: germline.
Comment: This sequence change replaces serine, which is neutral and polar, with glycine, which is neutral and non-polar, at codon 180 of the RECQL4 protein (p.Ser180Gly). In summary, the available evidence is currently insufficient to determine the role of this variant in disease. Therefore, it has been classified as a Variant of Uncertain Significance. Experimental studies and prediction algorithms are not available or were not evaluated, and the functional significance of this variant is currently unknown. This variant has not been reported in the literature in individuals affected with RECQL4-related conditions. This variant is not present in population databases (gnomAD no frequency).